The following is an entry in ClinVar:

NM_021076.4(NEFH):c.1627G>A (p.Glu543Lys)

Gene: NEFH (neurofilament heavy chain; plus strand). Cytogenetic location: 22q12.2.
Variant type: single nucleotide variant.
Coding change: c.1627G>A on transcript NM_021076.4 (MANE Select); coding-DNA position 1627, G replaced by A.
Protein change: p.Glu543Lys; replaces glutamic acid 543 with lysine.
Molecular consequence: missense variant.
Genome position (GRCh38, 1-based): chr22:29,489,267, G>A. VCF-style: chr22-29489267-G-A. GRCh37 (hg19) VCF-style: chr22-29885256-G-A.
Other names: short protein forms E543K.
Identifiers: ClinVar variation 1911640 (VCV001911640.5), dbSNP rs201798049, ClinGen allele CA10174244.
Genomic context (GRCh38, chr22:29,489,267, plus strand): 5'-GAGGCAAAGTCACCGGCTGAGGCCAAGTCCCCAGAGAAGGAGGAAGCAAAATCCCCAGCC[G>A]AAGTCAAGTCCCCTGAGAAGGCCAAGTCTCCAGCAAAGGAAGAGGCAAAGTCACCGCCTG-3'
Protein context (NP_066554.2, residues 533-553): PEKEEAKSPA[Glu543Lys]VKSPEKAKSP

ClinVar aggregate classification (germline): Uncertain significance (1 of 4 stars; one submission).

Allele frequency attached by ClinVar (database versions not stated): gnomAD exomes 0.00001; TOPMed 0.00001; gnomAD 0.00003; ExAC 0.00004; 1000 Genomes Project 30x 0.00031; 1000 Genomes Project 0.00040.
gnomAD v4.1: 18 of 1,613,562 alleles (0.0011%); highest among the groups gnomAD compares: East Asian, 0.016%; no homozygotes.

Submission:

Labcorp Genetics (formerly Invitae), Labcorp
Classification: Uncertain significance. Last evaluated: 2025-04-14. Review status: criteria provided, single submitter. Criteria: Invitae Variant Classification Sherloc (09022015). Collection method: clinical testing. Allele origin: germline.
Comment: This sequence change replaces glutamic acid, which is acidic and polar, with lysine, which is basic and polar, at codon 543 of the NEFH protein (p.Glu543Lys). This variant is present in population databases (rs201798049, gnomAD 0.02%). This variant has not been reported in the literature in individuals affected with NEFH-related conditions. ClinVar contains an entry for this variant (Variation ID: 1911640). Invitae Evidence Modeling of protein sequence and biophysical properties (such as structural, functional, and spatial information, amino acid conservation, physicochemical variation, residue mobility, and thermodynamic stability) indicates that this missense variant is not expected to disrupt NEFH protein function with a negative predictive value of 95%. In summary, the available evidence is currently insufficient to determine the role of this variant in disease. Therefore, it has been classified as a Variant of Uncertain Significance.